The following is an entry in ClinVar:

ClinVar aggregate classification (germline): Uncertain significance (1 of 4 stars; one submission).

Allele frequency attached by ClinVar (database versions not stated): gnomAD exomes below 0.00001; ExAC 0.00001; gnomAD 0.00001; TOPMed 0.00001.
gnomAD v4.1: 3 of 1,602,584 alleles (0.00019%); highest among the groups gnomAD compares: Non-Finnish European, 0.00026%; no homozygotes.

Submission:

Labcorp Genetics (formerly Invitae), Labcorp
Classification: Uncertain significance. Last evaluated: 2022-03-26. Review status: criteria provided, single submitter. Criteria: Invitae Variant Classification Sherloc (09022015). Collection method: clinical testing. Allele origin: germline.
Comment: This sequence change falls in intron 35 of the LRP2 gene. It does not directly change the encoded amino acid sequence of the LRP2 protein. This variant is present in population databases (rs775506737, gnomAD 0.0009%). This variant has not been reported in the literature in individuals affected with LRP2-related conditions. Algorithms developed to predict the effect of sequence changes on RNA splicing suggest that this variant may disrupt the consensus splice site. In summary, the available evidence is currently insufficient to determine the role of this variant in disease. Therefore, it has been classified as a Variant of Uncertain Significance.

NM_004525.3(LRP2):c.5827-9A>G

Gene: LRP2 (LDL receptor related protein 2; minus strand). Cytogenetic location: 2q31.1.
Variant type: single nucleotide variant.
Coding change: c.5827-9A>G on transcript NM_004525.3 (MANE Select); 9 bases into the intron before coding-DNA position 5827, A replaced by G.
Molecular consequence: intron variant.
Genome position (GRCh38, 1-based): chr2:169,213,879, T>C on the plus strand (A>G on the coding strand, the complement: LRP2 is on the minus strand). VCF-style: chr2-169213879-T-C. GRCh37 (hg19) VCF-style: chr2-170070389-T-C.
Identifiers: ClinVar variation 2105759 (VCV002105759.1), dbSNP rs775506737, ClinGen allele CA1954419.